The following is an entry in ClinVar:

ClinVar aggregate classification (germline): Pathogenic (1 of 4 stars; one submission).

Conditions:
Intellectual developmental disorder, autosomal dominant 56. Also called: MENTAL RETARDATION, AUTOSOMAL DOMINANT 56; Intellectual disability, autosomal dominant 56. Identifiers: MedGen C4693389, MONDO:0030922, OMIM 617854.

Submission:

Laboratoire Génétique Moléculaire, CHRU TOURS
Classification: Pathogenic for Intellectual developmental disorder, autosomal dominant 56. Last evaluated: 2023-05-26. Review status: criteria provided, single submitter. Criteria: ACMG Guidelines, 2015. Collection method: clinical testing. Allele origin: paternal. Affected: yes.
Comment: PVS1;PM2;PP4

NM_004859.4(CLTC):c.4225C>T (p.Gln1409Ter)

Genes: CLTC (clathrin heavy chain; plus strand), LOC126862609 (CDK7 strongly-dependent group 2 enhancer GRCh37_chr17:57760547-57761746; plus strand). Cytogenetic location: 17q23.1.
Variant type: single nucleotide variant.
Coding change: c.4225C>T on transcript NM_004859.4 (MANE Select); coding-DNA position 4225, C replaced by T.
Protein change: p.Gln1409Ter; replaces glutamine 1409 with a stop codon.
Molecular consequence: nonsense.
Genome position (GRCh38, 1-based): chr17:59,683,658, C>T. VCF-style: chr17-59683658-C-T. GRCh37 (hg19) VCF-style: chr17-57761019-C-T.
Other names: c.4237C>T, p.Gln1413Ter (NM_001288653.2); short protein forms Q1413*, Q1409*.
Identifiers: ClinVar variation 4294359 (VCV004294359.1).